The following is an entry in ClinVar:

ClinVar aggregate classification (germline): Pathogenic (1 of 4 stars; one submission).

Submission:

Labcorp Genetics (formerly Invitae), Labcorp
Classification: Pathogenic. Last evaluated: 2024-10-15. Review status: criteria provided, single submitter. Criteria: Invitae Variant Classification Sherloc (09022015). Collection method: clinical testing. Allele origin: germline.
Comment: This sequence change creates a premature translational stop signal (p.Gly1036Trpfs*5) in the EYS gene. It is expected to result in an absent or disrupted protein product. Loss-of-function variants in EYS are known to be pathogenic (PMID: 18836446, 20333770). This variant is not present in population databases (gnomAD no frequency). This variant has not been reported in the literature in individuals affected with EYS-related conditions. ClinVar contains an entry for this variant (Variation ID: 2128927). For these reasons, this variant has been classified as Pathogenic.

Literature cited by the submitters: PubMed 18836446; PubMed 20333770.

NM_001142800.2(EYS):c.3105dup (p.Gly1036fs)

Gene: EYS (EGF-like photoreceptor maintenance factor; minus strand). Cytogenetic location: 6q12.
Variant type: Duplication.
Coding change: c.3105dup on transcript NM_001142800.2 (MANE Select); coding-DNA position 3105, one base duplicated (T; older notation c.3105dupT).
Protein change: p.Gly1036fs; shifts the reading frame from glycine 1036.
Molecular consequence: frameshift variant.
Genome position (GRCh38, 1-based): chr6:64,822,710, A duplicated on the plus strand (T on the coding strand, the reverse complement: EYS is on the minus strand); the first of 6 consecutive A bases (chr6:64,822,710-64,822,715); duplicating any one gives the same sequence. VCF-style (leftmost placement, unchanged base first): chr6-64822709-C-CA. GRCh37 (hg19) VCF-style: chr6-65532602-C-CA.
Other names: c.3105dup, p.Gly1036fs (NM_001292009.2); short protein forms G1036fs.
Identifiers: ClinVar variation 2128927 (VCV002128927.4), dbSNP rs1764936411, ClinGen allele CA1633929798.